The following is an entry in ClinVar:

NM_014915.3(ANKRD26):c.4858G>T (p.Asp1620Tyr)

Gene: ANKRD26 (ankyrin repeat domain 26; minus strand). Cytogenetic location: 10p12.1.
Variant type: single nucleotide variant.
Coding change: c.4858G>T on transcript NM_014915.3 (MANE Select); coding-DNA position 4858, G replaced by T.
Protein change: p.Asp1620Tyr; replaces aspartic acid 1620 with tyrosine.
Molecular consequence: missense variant.
Genome position (GRCh38, 1-based): chr10:27,012,977, C>A on the plus strand (G>T on the coding strand, the complement: ANKRD26 is on the minus strand). VCF-style: chr10-27012977-C-A. GRCh37 (hg19) VCF-style: chr10-27301906-C-A.
Other names: c.4855G>T, p.Asp1619Tyr (NM_001256053.2); short protein forms D1619Y, D1620Y.
Identifiers: ClinVar variation 2170433 (VCV002170433.5), dbSNP rs769629179, ClinGen allele CA5447704.
Genomic context (GRCh38, chr10:27,012,977, plus strand): 5'-CCCGTGGATTTGAGGTAGAGATCACTAAGTTTTCTCTTGGAATAAGTTTTCTGTTGAGAT[C>A]TAAACTATTATTAAGATTTCCCACACAAGGTGGCTCCATGACTGGCCTGGTAGTGAGAGT-3'
Protein context (NP_055730.2, residues 1610-1630): PCVGNLNNSL[Asp1620Tyr]LNRKLIPREN

ClinVar aggregate classification (germline): Uncertain significance. Review status: criteria provided, multiple submitters, no conflicts (2 of 4 stars). 2 submissions from 2 submitters: Uncertain significance (2). Last evaluated 2025-07-30.

Conditions:
Inborn genetic diseases. Identifiers: MedGen C0950123, MeSH D030342.

Allele frequency attached by ClinVar (database versions not stated): TOPMed below 0.00001; gnomAD exomes 0.00003; ExAC 0.00007.
gnomAD v4.1: 16 of 1,614,060 alleles (0.00099%); highest among the groups gnomAD compares: Admixed American, 0.027%; no homozygotes.

Submissions (2):

Labcorp Genetics (formerly Invitae), Labcorp
Classification: Uncertain significance. Last evaluated: 2025-07-30. Review status: criteria provided, single submitter. Criteria: Invitae Variant Classification Sherloc (09022015). Collection method: clinical testing. Allele origin: germline.
Comment: This sequence change replaces aspartic acid, which is acidic and polar, with tyrosine, which is neutral and polar, at codon 1620 of the ANKRD26 protein (p.Asp1620Tyr). This variant is present in population databases (rs769629179, gnomAD 0.04%), and has an allele count higher than expected for a pathogenic variant. This variant has not been reported in the literature in individuals affected with ANKRD26-related conditions. ClinVar contains an entry for this variant (Variation ID: 2170433). An algorithm developed to predict the effect of missense changes on protein structure and function (PolyPhen-2) suggests that this variant is likely to be tolerated. Algorithms developed to predict the effect of sequence changes on RNA splicing suggest that this variant may create or strengthen a splice site. In summary, the available evidence is currently insufficient to determine the role of this variant in disease. Therefore, it has been classified as a Variant of Uncertain Significance.

Ambry Genetics
Classification: Uncertain significance for Inborn genetic diseases. Last evaluated: 2024-12-10. Review status: criteria provided, single submitter. Criteria: Ambry Variant Classification Scheme 2023. Collection method: clinical testing. Allele origin: germline.
Comment: The p.D1620Y variant (also known as c.4858G>T), located in coding exon 32 of the ANKRD26 gene, results from a G to T substitution at nucleotide position 4858. The aspartic acid at codon 1620 is replaced by tyrosine, an amino acid with highly dissimilar properties. This amino acid position is conserved. In addition, this alteration is predicted to be tolerated by in silico analysis. Based on the available evidence, the clinical significance of this variant remains unclear.